The following is an entry in ClinVar:

ClinVar aggregate classification (germline): Uncertain significance (1 of 4 stars; one submission).

Allele frequency attached by ClinVar (database versions not stated): gnomAD exomes 0.00004 and 0.00009; ExAC 0.00005; gnomAD 0.00005 and 0.00006.

Submission:

Labcorp Genetics (formerly Invitae), Labcorp
Classification: Uncertain significance. Last evaluated: 2023-08-10. Review status: criteria provided, single submitter. Criteria: Invitae Variant Classification Sherloc (09022015). Collection method: clinical testing. Allele origin: germline.
Comment: This variant has not been reported in the literature in individuals affected with PLEKHG2-related conditions. This variant is present in population databases (rs780947995, gnomAD 0.02%). This sequence change replaces arginine, which is basic and polar, with cysteine, which is neutral and slightly polar, at codon 844 of the PLEKHG2 protein (p.Arg844Cys). ClinVar contains an entry for this variant (Variation ID: 1388964). In summary, the available evidence is currently insufficient to determine the role of this variant in disease. Therefore, it has been classified as a Variant of Uncertain Significance. An algorithm developed to predict the effect of missense changes on protein structure and function (PolyPhen-2) suggests that this variant is likely to be disruptive.

NM_022835.3(PLEKHG2):c.2530C>T (p.Arg844Cys)

Gene: PLEKHG2 (pleckstrin homology and RhoGEF domain containing G2; plus strand). Cytogenetic location: 19q13.2.
Variant type: single nucleotide variant.
Coding change: c.2530C>T on transcript NM_022835.3 (MANE Select); coding-DNA position 2530, C replaced by T.
Protein change: p.Arg844Cys; replaces arginine 844 with cysteine.
Molecular consequence: missense variant. On other transcripts: intron variant (1).
Genome position (GRCh38, 1-based): chr19:39,423,584, C>T. VCF-style: chr19-39423584-C-T. GRCh37 (hg19) VCF-style: chr19-39914224-C-T.
Other names: c.2353C>T, p.Arg785Cys (NM_001351693.2); c.1677+1296C>T (NM_001351694.2); short protein forms R844C, R785C.
Identifiers: ClinVar variation 1388964 (VCV001388964.6), dbSNP rs780947995, ClinGen allele CA9429798.
Genomic context (GRCh38, chr19:39,423,584, plus strand): 5'-TACAGCGAGCGGATCCAGCAGATGCAGCGGGCGGAGACTCGGGCATCAGCCAATGCCCCG[C>T]GCCGCCGGCCTCGGGTTCTGGCCCAACCCCAGCCATCCCCCTGTCTGCCCCAGGAGCAGG-3'
Protein context (NP_073746.2, residues 834-854): AETRASANAP[Arg844Cys]RRPRVLAQPQ